The following is an entry in ClinVar:

ClinVar aggregate classification (germline): Uncertain significance (1 of 4 stars; one submission).

Allele frequency attached by ClinVar (database versions not stated): gnomAD exomes below 0.00001.
gnomAD v4.1: 2 of 1,614,154 alleles (0.00012%); highest among the groups gnomAD compares: Non-Finnish European, 0.00017%; no homozygotes.

Submission:

Labcorp Genetics (formerly Invitae), Labcorp
Classification: Uncertain significance. Last evaluated: 2021-12-18. Review status: criteria provided, single submitter. Criteria: Invitae Variant Classification Sherloc (09022015). Collection method: clinical testing. Allele origin: germline.
Comment: This sequence change replaces cysteine, which is neutral and slightly polar, with tyrosine, which is neutral and polar, at codon 664 of the AHR protein (p.Cys664Tyr). This variant is present in population databases (no rsID available, gnomAD 0.0009%). This variant has not been reported in the literature in individuals affected with AHR-related conditions. Algorithms developed to predict the effect of missense changes on protein structure and function (SIFT, PolyPhen-2, Align-GVGD) all suggest that this variant is likely to be tolerated. In summary, the available evidence is currently insufficient to determine the role of this variant in disease. Therefore, it has been classified as a Variant of Uncertain Significance.

NM_001621.5(AHR):c.1991G>A (p.Cys664Tyr)

Gene: AHR (aryl hydrocarbon receptor; plus strand). Cytogenetic location: 7p21.1.
Variant type: single nucleotide variant.
Coding change: c.1991G>A on transcript NM_001621.5 (MANE Select); coding-DNA position 1991, G replaced by A.
Protein change: p.Cys664Tyr; replaces cysteine 664 with tyrosine.
Molecular consequence: missense variant.
Genome position (GRCh38, 1-based): chr7:17,339,816, G>A. VCF-style: chr7-17339816-G-A. GRCh37 (hg19) VCF-style: chr7-17379440-G-A.
Other names: short protein forms C664Y.
Identifiers: ClinVar variation 2046520 (VCV002046520.4), dbSNP rs1393549175, ClinGen allele CA366895667.